The following is an entry in ClinVar:

ClinVar aggregate classification (germline): Likely benign. Review status: criteria provided, multiple submitters, no conflicts (2 of 4 stars). 2 submissions from 2 submitters: Likely benign (2). Last evaluated 2025-03-19.

Conditions:
Developmental and epileptic encephalopathy, 31A. Also called: Developmental and epileptic encephalopathy, 31; Epileptic encephalopathy, early infantile, 31. Identifiers: Orphanet 2382, MedGen C4225357, MONDO:0014598, OMIM 616346.

Allele frequency attached by ClinVar (database versions not stated): TOPMed 0.00001; gnomAD 0.00006.

Submissions (2):

Labcorp Genetics (formerly Invitae), Labcorp
Classification: Likely benign for Developmental and epileptic encephalopathy, 31A. Last evaluated: 2025-03-19. Review status: criteria provided, single submitter. Criteria: Invitae Variant Classification Sherloc (09022015). Collection method: clinical testing. Allele origin: germline.

GeneDx
Classification: Likely benign. Last evaluated: 2016-02-18. Review status: criteria provided, single submitter. Criteria: GeneDx Variant Classification (06012015). Collection method: clinical testing. Allele origin: germline. Affected: yes.
Comment: This variant is considered likely benign or benign based on one or more of the following criteria: it is a conservative change, it occurs at a poorly conserved position in the protein, it is predicted to be benign by multiple in silico algorithms, and/or has population frequency not consistent with disease.

NM_004408.4(DNM1):c.992+13C>A

Gene: DNM1 (dynamin 1; plus strand). Cytogenetic location: 9q34.11.
Variant type: single nucleotide variant.
Coding change: c.992+13C>A on transcript NM_004408.4 (MANE Select); 13 bases into the intron after coding-DNA position 992, C replaced by A.
Molecular consequence: intron variant.
Genome position (GRCh38, 1-based): chr9:128,222,352, C>A. VCF-style: chr9-128222352-C-A. GRCh37 (hg19) VCF-style: chr9-130984631-C-A.
Other names: c.992+13C>A (NM_001005336.3, NM_001288738.2, NM_001288737.2 and 1 more transcripts).
Identifiers: ClinVar variation 383433 (VCV000383433.9), dbSNP rs762733307, ClinGen allele CA5257941.
Genomic context (GRCh38, chr9:128,222,352, plus strand): 5'-GAACTTCCGCCCTGATGACCCAGCTCGCAAGACCAAGGCCCTGCTGCAGTGAGGCTCCCC[C>A]AGCTCCTATCACTGAATCCCCGCCCCCAGCCTCTCAGCGTGGGGCTCTCCCAGGGTTCCC-3'